The following is an entry in ClinVar:

ClinVar aggregate classification (germline): Pathogenic (1 of 4 stars; one submission).

Conditions:
Deafness-lymphedema-leukemia syndrome. Also called: Emberger syndrome; Lymphedema, primary, with myelodysplasia. Identifiers: Orphanet 3226, MedGen C3279664, MONDO:0013540, OMIM 614038.
GATA2 deficiency with susceptibility to MDS/AML. Identifiers: MedGen CN300066, MONDO:0042982.

Submission:

Molecular Pathology Research Laboratory, SA Pathology
Classification: Pathogenic for GATA2 deficiency with susceptibility to MDS/AML; Deafness-lymphedema-leukemia syndrome. Last evaluated: 2021-07-06. Review status: criteria provided, single submitter. Criteria: ACMG Guidelines, 2015. Collection method: curation. Allele origin: germline. Inheritance: Autosomal dominant inheritance. Affected: yes. Observed: 1 variant allele.
Comment: PVS1, PS4_Supporting, PM2

Literature cited by the submitters: PubMed 29724903.

NM_032638.5(GATA2):c.941_951del (p.Tyr314fs)

Gene: GATA2 (GATA binding protein 2; minus strand). Cytogenetic location: 3q21.3.
Variant type: Deletion.
Coding change: c.941_951del on transcript NM_032638.5 (MANE Select); coding-DNA positions 941 to 951, 11 bases deleted (ACCTGTGCAAT).
Protein change: p.Tyr314fs; shifts the reading frame from tyrosine 314.
Molecular consequence: frameshift variant.
Genome position (GRCh38, 1-based): chr3:128,483,926-128,483,936, ATTGCACAGGT deleted on the plus strand (ACCTGTGCAAT on the coding strand, the reverse complement: GATA2 is on the minus strand); deleting any 11 consecutive bases within chr3:128,483,926-128,483,937 gives the same sequence; the c. name uses the placement nearest the transcript's 3' end. VCF-style (leftmost placement, unchanged base first): chr3-128483925-CATTGCACAGGT-C. GRCh37 (hg19) VCF-style: chr3-128202768-CATTGCACAGGT-C.
Other names: c.941_951del, p.Tyr314fs (NM_001145661.2, NM_001145662.1); short protein forms Y314fs.
Identifiers: ClinVar variation 1184144 (VCV001184144.1), dbSNP rs2107670410, ClinGen allele CA2499216461.
Genomic context (GRCh38, chr3:128,483,925, plus strand): 5'-TTCGCTTGGGCTTGATGAGTGGTCGGTTCTGCCCATTCATCTTGTGGTAGAGGCCACAGG[CATTGCACAGGT>C]AGTGGCCGGTGCCGTCCCGCCGCCAGAGAGGGGTGGCTGTGGCCCCACAGTTGACACACT-3'